The following is an entry in ClinVar:

ClinVar aggregate classification (germline): Uncertain significance (1 of 4 stars; one submission).

gnomAD v4.1: 5 of 1,613,636 alleles (0.00031%); highest among the groups gnomAD compares: Non-Finnish European, 0.00042%; no homozygotes.

Submission:

Dasa
Classification: Uncertain significance. Last evaluated: 2025-09-18. Review status: criteria provided, single submitter. Criteria: DASA Assertion Criteria. Collection method: clinical testing. Allele origin: germline.
Comment: NM_001046.3(SLC12A2):c.623A>C (p.Tyr208Ser) is a missense variant that results in the substitution of tyrosine with serine. This variant is rare in population databases. Computational prediction algorithms are consistent with a deleterious effect. The currently available literature and clinical evidence are not sufficient to establish a definitive association between this variant and the reported condition. Therefore, this variant is classified as a variant of uncertain significance.

NM_001046.3(SLC12A2):c.623A>C (p.Tyr208Ser)

Gene: SLC12A2 (solute carrier family 12 member 2; plus strand). Cytogenetic location: 5q23.3.
Variant type: single nucleotide variant.
Coding change: c.623A>C on transcript NM_001046.3 (MANE Select); coding-DNA position 623, A replaced by C.
Protein change: p.Tyr208Ser; replaces tyrosine 208 with serine.
Molecular consequence: missense variant. On other transcripts: non-coding transcript variant (1).
Genome position (GRCh38, 1-based): chr5:128,084,577, A>C. VCF-style: chr5-128084577-A-C. GRCh37 (hg19) VCF-style: chr5-127420269-A-C.
Other names: c.623A>C, p.Tyr208Ser (NM_001256461.2); short protein forms Y208S.
Identifiers: ClinVar variation 5020859 (VCV005020859.1).